The following is an entry in ClinVar:

NM_000195.5(HPS1):c.1324C>T (p.Gln442Ter)

Gene: HPS1 (HPS1 biogenesis of lysosomal organelles complex 3 subunit 1; minus strand). Cytogenetic location: 10q24.2.
Variant type: single nucleotide variant.
Coding change: c.1324C>T on transcript NM_000195.5 (MANE Select); coding-DNA position 1324, C replaced by T.
Protein change: p.Gln442Ter; replaces glutamine 442 with a stop codon.
Molecular consequence: nonsense.
Genome position (GRCh38, 1-based): chr10:98,425,552, G>A on the plus strand (C>T on the coding strand, the complement: HPS1 is on the minus strand). VCF-style: chr10-98425552-G-A. GRCh37 (hg19) VCF-style: chr10-100185309-G-A.
Other names: c.352C>T, p.Gln118Ter (NM_001311345.2, NM_001322487.2, NM_001322489.2); c.1324C>T, p.Gln442Ter (NM_001322476.2, NM_001322477.2); c.1225C>T, p.Gln409Ter (NM_001322478.2, NM_001322479.2); c.1063C>T, p.Gln355Ter (NM_001322480.2, NM_001322481.2); c.964C>T, p.Gln322Ter (NM_001322482.2); c.955C>T, p.Gln319Ter (NM_001322483.2, NM_001322484.2); c.856C>T, p.Gln286Ter (NM_001322485.2); short protein forms Q118*, Q286*, Q322*, Q319*, Q442*, Q355*, Q409*.
Identifiers: ClinVar variation 1976830 (VCV001976830.5), dbSNP rs2538832752, ClinGen allele CA378047595.
Genomic context (GRCh38, chr10:98,425,552, plus strand): 5'-CCAGCCCTGCCTCTTCCCCAGGTGGGGAGGACTGGAACTTGGGTCTCACCTGAATCTCCT[G>A]TGCCCCTCGATTCTTGACAAACTTGTCCATCCTCTGGCGCAGGTCTCCCACGAGGGGCTG-3'

ClinVar aggregate classification (germline): Pathogenic (1 of 4 stars; one submission).

Allele frequency attached by ClinVar (database versions not stated): gnomAD exomes below 0.00001.
gnomAD v4.1: 1 of 1,611,090 alleles (0.000062%); highest among the groups gnomAD compares: Non-Finnish European, 0.000085%; no homozygotes.

Submission:

Labcorp Genetics (formerly Invitae), Labcorp
Classification: Pathogenic. Last evaluated: 2022-02-28. Review status: criteria provided, single submitter. Criteria: Invitae Variant Classification Sherloc (09022015). Collection method: clinical testing. Allele origin: germline.
Comment: For these reasons, this variant has been classified as Pathogenic. This variant has not been reported in the literature in individuals affected with HPS1-related conditions. This variant is not present in population databases (gnomAD no frequency). This sequence change creates a premature translational stop signal (p.Gln442*) in the HPS1 gene. It is expected to result in an absent or disrupted protein product. Loss-of-function variants in HPS1 are known to be pathogenic (PMID: 12442288, 16185271).

Literature cited by the submitters: PubMed 12442288; PubMed 16185271.